The following is an entry in ClinVar:

NM_000051.4(ATM):c.4436+3A>T

Gene: ATM (ATM serine/threonine kinase; plus strand). Cytogenetic location: 11q22.3.
Variant type: single nucleotide variant.
Coding change: c.4436+3A>T on transcript NM_000051.4 (MANE Select); 3 bases into the intron after coding-DNA position 4436, A replaced by T.
Molecular consequence: intron variant.
Genome position (GRCh38, 1-based): chr11:108,289,804, A>T. VCF-style: chr11-108289804-A-T. GRCh37 (hg19) VCF-style: chr11-108160531-A-T.
Other names: c.4436+3A>T (NM_001351834.2).
Identifiers: ClinVar variation 852454 (VCV000852454.8), dbSNP rs2082686950, ClinGen allele CA916080460.

ClinVar aggregate classification (germline): Uncertain significance (1 of 4 stars; one submission).

Conditions:
Ataxia-telangiectasia syndrome (AT). Also called: Ataxia-telangiectasia, complementation group E; Cerebello-oculocutaneous telangiectasia; Immunodeficiency with ataxia telangiectasia; Ataxia-telangiectasia, complementation group D; AT, COMPLEMENTATION GROUP C; Ataxia-telangiectasia. Identifiers: Orphanet 100, MedGen C0004135, MONDO:0008840, OMIM 208900.

Submission:

Labcorp Genetics (formerly Invitae), Labcorp
Classification: Uncertain significance for Ataxia-telangiectasia syndrome. Last evaluated: 2019-12-19. Review status: criteria provided, single submitter. Criteria: Invitae Variant Classification Sherloc (09022015). Collection method: clinical testing. Allele origin: germline.
Comment: This sequence change falls in intron 29 of the ATM gene. It does not directly change the encoded amino acid sequence of the ATM protein, but it affects a nucleotide within the consensus splice site of the intron. In summary, the available evidence is currently insufficient to determine the role of this variant in disease. Therefore, it has been classified as a Variant of Uncertain Significance. Nucleotide substitutions within the consensus splice site are a relatively common cause of aberrant splicing (PMID: 17576681, 9536098). Algorithms developed to predict the effect of sequence changes on RNA splicing suggest that this variant may disrupt the consensus splice site, but this prediction has not been confirmed by published transcriptional studies. This variant has not been reported in the literature in individuals with ATM-related conditions. This variant is not present in population databases (ExAC no frequency).

Literature cited by the submitters: PubMed 17576681; PubMed 9536098.